The following is an entry in ClinVar:

NM_173648.4(CCDC141):c.1403G>A (p.Arg468Gln)

Gene: CCDC141 (coiled-coil domain containing 141; minus strand). Cytogenetic location: 2q31.2.
Variant type: single nucleotide variant.
Coding change: c.1403G>A on transcript NM_173648.4 (MANE Select); coding-DNA position 1403, G replaced by A.
Protein change: p.Arg468Gln; replaces arginine 468 with glutamine.
Molecular consequence: missense variant.
Genome position (GRCh38, 1-based): chr2:178,888,531, C>T on the plus strand (G>A on the coding strand, the complement: CCDC141 is on the minus strand). VCF-style: chr2-178888531-C-T. GRCh37 (hg19) VCF-style: chr2-179753258-C-T.
Other names: c.1403G>A, p.Arg468Gln (NM_001316745.2); short protein forms R468Q.
Identifiers: ClinVar variation 3486034 (VCV003486034.3).

ClinVar aggregate classification (germline): Uncertain significance. Review status: criteria provided, multiple submitters, no conflicts (2 of 4 stars). 2 submissions from 2 submitters: Uncertain significance (2). Last evaluated 2024-11-12.

gnomAD v4.1: 90 of 1,550,070 alleles (0.0058%); highest among the groups gnomAD compares: Admixed American, 0.031%; no homozygotes.

Submissions (2):

Labcorp Genetics (formerly Invitae), Labcorp
Classification: Uncertain significance. Last evaluated: 2024-11-12. Review status: criteria provided, single submitter. Criteria: Invitae Variant Classification Sherloc (09022015). Collection method: clinical testing. Allele origin: germline.
Comment: This sequence change replaces arginine, which is basic and polar, with glutamine, which is neutral and polar, at codon 468 of the CCDC141 protein (p.Arg468Gln). This variant is present in population databases (rs200945929, gnomAD 0.1%), and has an allele count higher than expected for a pathogenic variant. This variant has not been reported in the literature in individuals affected with CCDC141-related conditions. An algorithm developed to predict the effect of missense changes on protein structure and function outputs the following: PolyPhen-2: "Benign". The glutamine amino acid residue is found in multiple mammalian species, which suggests that this missense change does not adversely affect protein function. In summary, the available evidence is currently insufficient to determine the role of this variant in disease. Therefore, it has been classified as a Variant of Uncertain Significance.

Ambry Genetics
Classification: Uncertain significance. Last evaluated: 2024-09-04. Review status: criteria provided, single submitter. Criteria: Ambry Variant Classification Scheme 2023. Collection method: clinical testing. Allele origin: germline.